The following is an entry in ClinVar:

ClinVar aggregate classification (germline): Uncertain significance (1 of 4 stars; one submission).

Conditions:
Hereditary cancer-predisposing syndrome. Also called: Neoplastic Syndromes, Hereditary; Tumor predisposition; Hereditary Cancer Syndrome; Hereditary neoplastic syndrome. Identifiers: Orphanet 140162, MedGen C0027672, MeSH D009386, MONDO:0015356.

Allele frequency attached by ClinVar (database versions not stated): gnomAD exomes below 0.00001; ExAC 0.00001.
gnomAD v4.1: 1 of 1,613,790 alleles (0.000062%); highest among the groups gnomAD compares: Non-Finnish European, 0.000085%; no homozygotes.

Submission:

Ambry Genetics
Classification: Uncertain significance for Hereditary cancer-predisposing syndrome. Last evaluated: 2022-03-16. Review status: criteria provided, single submitter. Criteria: Ambry Variant Classification Scheme 2023. Collection method: clinical testing. Allele origin: germline.
Comment: The p.Y219H variant (also known as c.655T>C), located in coding exon 6 of the SDHA gene, results from a T to C substitution at nucleotide position 655. The tyrosine at codon 219 is replaced by histidine, an amino acid with similar properties. This amino acid position is conserved. In addition, this alteration is predicted to be deleterious by in silico analysis. Since supporting evidence is limited at this time, the clinical significance of this alteration remains unclear.

NM_004168.4(SDHA):c.655T>C (p.Tyr219His)

Gene: SDHA (succinate dehydrogenase complex flavoprotein subunit A; plus strand). Cytogenetic location: 5p15.33.
Variant type: single nucleotide variant.
Coding change: c.655T>C on transcript NM_004168.4 (MANE Select); coding-DNA position 655, T replaced by C.
Protein change: p.Tyr219His; replaces tyrosine 219 with histidine.
Molecular consequence: missense variant.
Genome position (GRCh38, 1-based): chr5:228,218, T>C. VCF-style: chr5-228218-T-C. GRCh37 (hg19) VCF-style: chr5-228333-T-C.
Other names: c.511T>C, p.Tyr171His (NM_001294332.2); c.655T>C, p.Tyr219His (NM_001330758.2); short protein forms Y171H, Y219H.
Identifiers: ClinVar variation 1754200 (VCV001754200.2), dbSNP rs748831715, ClinGen allele CA3172938.